The following is an entry in ClinVar:

NM_003052.5(SLC34A1):c.108G>T (p.Gln36His)

Gene: SLC34A1 (solute carrier family 34 member 1; plus strand). Cytogenetic location: 5q35.3.
Variant type: single nucleotide variant.
Coding change: c.108G>T on transcript NM_003052.5 (MANE Select); coding-DNA position 108, G replaced by T.
Protein change: p.Gln36His; replaces glutamine 36 with histidine.
Molecular consequence: missense variant.
Genome position (GRCh38, 1-based): chr5:177,385,849, G>T. VCF-style: chr5-177385849-G-T. GRCh37 (hg19) VCF-style: chr5-176812850-G-T.
Other names: c.108G>T, p.Gln36His (NM_001167579.2); c.108G>T (NM_003052.4); short protein forms Q36H.
Identifiers: ClinVar variation 2049316 (VCV002049316.2), dbSNP rs777019194, ClinGen allele CA3580243.
Genomic context (GRCh38, chr5:177,385,849, plus strand): 5'-CCCAGTCCGTGGGGGGCATGTGATGCGAGGGACGGCCTTTGCCTACGTGCCCAGCCCTCA[G>T]GGTAAGTGCTGCTCCCACACCCTGGACCCTGGTTGCCCACGGTTGCCCACATCCCGGATG-3'
Protein context (NP_003043.3, residues 26-46): GTAFAYVPSP[Gln36His]VLHRIPGTSA

ClinVar aggregate classification (germline): Uncertain significance. Review status: criteria provided, multiple submitters, no conflicts (2 of 4 stars). 2 submissions from 2 submitters: Uncertain significance (2). Last evaluated 2024-07-16.

Conditions:
Inborn genetic diseases. Identifiers: MedGen C0950123, MeSH D030342.

Allele frequency attached by ClinVar (database versions not stated): TOPMed 0.00001; gnomAD 0.00003; ExAC 0.00004.
gnomAD v4.1: 91 of 1,613,456 alleles (0.0056%); highest among the groups gnomAD compares: Non-Finnish European, 0.0074%; no homozygotes.

Submissions (2):

Ambry Genetics
Classification: Uncertain significance for Inborn genetic diseases. Last evaluated: 2024-07-16. Review status: criteria provided, single submitter. Criteria: Ambry Variant Classification Scheme 2023. Collection method: clinical testing. Allele origin: germline.

Labcorp Genetics (formerly Invitae), Labcorp
Classification: Uncertain significance. Last evaluated: 2022-08-14. Review status: criteria provided, single submitter. Criteria: Invitae Variant Classification Sherloc (09022015). Collection method: clinical testing. Allele origin: germline.
Comment: This sequence change replaces glutamine, which is neutral and polar, with histidine, which is basic and polar, at codon 36 of the SLC34A1 protein (p.Gln36His). This variant is present in population databases (rs777019194, gnomAD 0.006%). This variant has not been reported in the literature in individuals affected with SLC34A1-related conditions. Algorithms developed to predict the effect of missense changes on protein structure and function are either unavailable or do not agree on the potential impact of this missense change (SIFT: "Tolerated"; PolyPhen-2: "Possibly Damaging"; Align-GVGD: "Class C0"). In summary, the available evidence is currently insufficient to determine the role of this variant in disease. Therefore, it has been classified as a Variant of Uncertain Significance.